The following is an entry in ClinVar:

NM_000143.4(FH):c.102_120del (p.Ser35fs)

Gene: FH (fumarate hydratase; minus strand). Cytogenetic location: 1q43.
Variant type: Deletion.
Coding change: c.102_120del on transcript NM_000143.4 (MANE Select); coding-DNA positions 102 to 120, 19 bases deleted (CTCGTTTTGGCCTCCGAAC).
Protein change: p.Ser35fs; shifts the reading frame from serine 35.
Molecular consequence: frameshift variant.
Genome position (GRCh38, 1-based): chr1:241,519,603-241,519,621, GTTCGGAGGCCAAAACGAG deleted on the plus strand (CTCGTTTTGGCCTCCGAAC on the coding strand, the reverse complement: FH is on the minus strand); deleting any 19 consecutive bases within chr1:241,519,603-241,519,622 gives the same sequence; the c. name uses the placement nearest the transcript's 3' end. VCF-style (leftmost placement, unchanged base first): chr1-241519602-CGTTCGGAGGCCAAAACGAG-C. GRCh37 (hg19) VCF-style: chr1-241682902-CGTTCGGAGGCCAAAACGAG-C.
Other names: short protein forms S35fs.
Identifiers: ClinVar variation 1072523 (VCV001072523.9), dbSNP rs2147926843, ClinGen allele CA2499214639.

ClinVar aggregate classification (germline): Pathogenic (1 of 4 stars; one submission).

Submission:

Labcorp Genetics (formerly Invitae), Labcorp
Classification: Pathogenic. Last evaluated: 2020-10-19. Review status: criteria provided, single submitter. Criteria: Invitae Variant Classification Sherloc (09022015). Collection method: clinical testing. Allele origin: germline.
Comment: For these reasons, this variant has been classified as Pathogenic. This variant has not been reported in the literature in individuals with FH-related conditions. The frequency data for this variant in the population databases is considered unreliable, as metrics indicate insufficient coverage at this position in the ExAC database. This sequence change creates a premature translational stop signal (p.Ser35Argfs*12) in the FH gene. It is expected to result in an absent or disrupted protein product. Loss-of-function variants in FH are known to be pathogenic (PMID: 11865300, 21398687).

Literature cited by the submitters: PubMed 11865300; PubMed 21398687.